The following is an entry in ClinVar:

NM_005359.6(SMAD4):c.102A>G (p.Thr34=)

Gene: SMAD4 (SMAD family member 4; plus strand). Cytogenetic location: 18q21.2.
Variant type: single nucleotide variant.
Coding change: c.102A>G on transcript NM_005359.6 (MANE Select); coding-DNA position 102, A replaced by G.
Protein change: p.Thr34=; no amino-acid change (threonine 34 retained).
Molecular consequence: synonymous variant.
Genome position (GRCh38, 1-based): chr18:51,047,148, A>G. VCF-style: chr18-51047148-A-G. GRCh37 (hg19) VCF-style: chr18-48573518-A-G.
Other names: p.Thr34=.
Identifiers: ClinVar variation 183699 (VCV000183699.31), dbSNP rs146104321, ClinGen allele CA186162.

ClinVar aggregate classification (germline): Benign/Likely benign. Review status: criteria provided, multiple submitters, no conflicts (2 of 4 stars). 13 submissions from 13 submitters: Benign (6); Likely benign (6). 1 of the submissions does not count toward it. Last evaluated 2026-02-03.

Conditions:
Hereditary cancer-predisposing syndrome. Also called: Tumor predisposition; Neoplastic Syndromes, Hereditary; Hereditary neoplastic syndrome; Hereditary Cancer Syndrome. Identifiers: Orphanet 140162, MedGen C0027672, MeSH D009386, MONDO:0015356.
Familial thoracic aortic aneurysm and aortic dissection (TAAD). Also called: Thoracic aortic aneurysms and dissections. Identifiers: Orphanet 91387, MedGen C4707243, MONDO:0019625.
Juvenile polyposis syndrome (JPS). Identifiers: Orphanet 2929, MedGen C0345893, MONDO:0017380, OMIM 174900.
Juvenile polyposis/hereditary hemorrhagic telangiectasia syndrome (JPHT). Also called: JP/HHT SYNDROME; JUVENILE POLYPOSIS WITH HEREDITARY HEMORRHAGIC TELANGIECTASIA; POLYPOSIS, GENERALIZED JUVENILE, WITH PULMONARY ARTERIOVENOUS MALFORMATION; TELANGIECTASIA, HEREDITARY HEMORRHAGIC, WITH JUVENILE POLYPOSIS COLI; Juvenile Polyposis Syndrome / Hereditary Hemorrhagic Telangiectasia (JPS/HHT). Identifiers: Orphanet 2929, MedGen C1832942, MONDO:0008278, OMIM 175050.

Allele frequency attached by ClinVar (database versions not stated): gnomAD 0.00033 and 0.00032; ESP Exome Variant Server 0.00046; TOPMed 0.00046; 1000 Genomes Project 30x 0.00078; 1000 Genomes Project 0.00080; gnomAD exomes 0.00002 and 0.00012; ExAC 0.00014.
gnomAD v4.1: 84 of 1,614,150 alleles (0.0052%); highest among the groups gnomAD compares: African/African-American, 0.099%; no homozygotes.

Submissions (13):

Labcorp Genetics (formerly Invitae), Labcorp
Classification: Benign for Juvenile polyposis syndrome. Last evaluated: 2026-02-03. Review status: criteria provided, single submitter. Criteria: Invitae Variant Classification Sherloc (09022015). Collection method: clinical testing. Allele origin: germline.

Mayo Clinic Laboratories, Mayo Clinic
Classification: Likely benign. Last evaluated: 2025-04-02. Review status: criteria provided, single submitter. Criteria: ACMG Guidelines, 2015. Collection method: clinical testing. Allele origin: germline. Observed: 1 variant allele.
Comment: BS1, BP4, BP7

Blueprint Genetics
Classification: Likely benign. Last evaluated: 2024-07-14. Review status: criteria provided, single submitter. Criteria: ACMG Guidelines, 2015. Collection method: clinical testing. Allele origin: germline.

Myriad Genetics, Inc.
Classification: Benign for Juvenile polyposis/hereditary hemorrhagic telangiectasia syndrome. Last evaluated: 2023-04-10. Review status: criteria provided, single submitter. Criteria: Myriad Autosomal Dominant, Autosomal Recessive and X-Linked Classification Criteria (2023). Collection method: clinical testing. Allele origin: unknown.
Comment: This variant is considered benign. This variant is a silent/synonymous amino acid change and it is not expected to impact splicing.

Quest Diagnostics Nichols Institute San Juan Capistrano
Classification: Benign. Last evaluated: 2023-03-16. Review status: criteria provided, single submitter. Criteria: Quest Diagnostics criteria. Collection method: clinical testing. Allele origin: unknown.

Sema4
Classification: Benign for Hereditary cancer-predisposing syndrome. Last evaluated: 2022-03-02. Review status: criteria provided, single submitter. Criteria: Sema4 Curation Guidelines. Collection method: curation. Allele origin: germline.

Women's Health and Genetics/Laboratory Corporation of America, LabCorp
Classification: Benign. Last evaluated: 2021-05-23. Review status: criteria provided, single submitter. Criteria: LabCorp Variant Classification Summary - May 2015. Collection method: clinical testing. Allele origin: germline.

Genetic Services Laboratory, University of Chicago
Classification: Likely benign. Last evaluated: 2019-07-01. Review status: criteria provided, single submitter. Criteria: ACMG Guidelines, 2015. Collection method: clinical testing. Allele origin: germline. Affected: no.

PreventionGenetics, part of Exact Sciences
Classification: Likely benign. Last evaluated: 2017-01-10. Review status: criteria provided, single submitter. Criteria: ACMG Guidelines, 2015. Collection method: clinical testing. Allele origin: germline.

Color Diagnostics, LLC DBA Color Health
Classification: Likely benign for Hereditary cancer-predisposing syndrome. Last evaluated: 2016-03-17. Review status: criteria provided, single submitter. Criteria: ACMG Guidelines, 2015. Collection method: clinical testing. Allele origin: germline.

GeneDx
Classification: Benign. Last evaluated: 2015-03-19. Review status: criteria provided, single submitter. Criteria: GeneDx Variant Classification (06012015). Collection method: clinical testing. Allele origin: germline. Affected: yes.
Comment: This variant is considered likely benign or benign based on one or more of the following criteria: it is a conservative change, it occurs at a poorly conserved position in the protein, it is predicted to be benign by multiple in silico algorithms, and/or has population frequency not consistent with disease.

Ambry Genetics
Classification: Likely benign for Hereditary cancer-predisposing syndrome; Familial thoracic aortic aneurysm and aortic dissection. Last evaluated: 2014-12-12. Review status: criteria provided, single submitter. Criteria: Ambry Variant Classification Scheme 2023. Collection method: clinical testing. Allele origin: germline.

Counsyl
Classification: Likely benign for Juvenile polyposis syndrome. Last evaluated: 2016-08-29. Review status: no assertion criteria provided. Collection method: clinical testing. Allele origin: unknown. Not counted in ClinVar's aggregate classification.